The following is an entry in ClinVar:

NM_000368.5(TSC1):c.210G>A (p.Lys70=)

Gene: TSC1 (TSC complex subunit 1; minus strand). Cytogenetic location: 9q34.13.
Variant type: single nucleotide variant.
Coding change: c.210G>A on transcript NM_000368.5 (MANE Select); coding-DNA position 210, G replaced by A.
Protein change: p.Lys70=; no amino-acid change (lysine 70 retained).
Molecular consequence: synonymous variant. On other transcripts: intron variant (1).
Genome position (GRCh38, 1-based): chr9:132,927,201, C>T on the plus strand (G>A on the coding strand, the complement: TSC1 is on the minus strand). VCF-style: chr9-132927201-C-T. GRCh37 (hg19) VCF-style: chr9-135802588-C-T.
Other names: c.210G>A, p.Lys70= (NM_001162426.2, NM_001162427.2); c.-153-1462G>A (NM_001362177.2).
Identifiers: ClinVar variation 411269 (VCV000411269.8), dbSNP rs1060503219, ClinGen allele CA16612652.

ClinVar aggregate classification (germline): Uncertain significance (1 of 4 stars; one submission).

Conditions:
Tuberous sclerosis 1 (TSC1). Identifiers: Orphanet 805, MedGen C1854465, MONDO:0008612, OMIM 191100.

Submission:

Labcorp Genetics (formerly Invitae), Labcorp
Classification: Uncertain significance for Tuberous sclerosis 1. Last evaluated: 2025-07-30. Review status: criteria provided, single submitter. Criteria: Invitae Variant Classification Sherloc (09022015). Collection method: clinical testing. Allele origin: germline.
Comment: This sequence change affects codon 70 of the TSC1 mRNA. It is a 'silent' change, meaning that it does not change the encoded amino acid sequence of the TSC1 protein. RNA analysis indicates that this variant induces altered splicing and may result in an absent or altered protein product. This variant is not present in population databases (gnomAD no frequency). This variant has not been reported in the literature in individuals affected with TSC1-related conditions. ClinVar contains an entry for this variant (Variation ID: 411269). Variants that disrupt the consensus splice site are a relatively common cause of aberrant splicing (PMID: 17576681, 9536098). Studies have shown that this variant results in skipping of exon 4, and produces a non-functional protein and/or introduces a premature termination codon (Inivitae). In summary, the available evidence is currently insufficient to determine the role of this variant in disease. Therefore, it has been classified as a Variant of Uncertain Significance.

Literature cited by the submitters: PubMed 17576681; PubMed 9536098.